The following is an entry in ClinVar:

ClinVar aggregate classification (germline): Likely pathogenic (1 of 4 stars; one submission).

Conditions:
Multiple cutaneous and mucosal venous malformations (VMCM). Also called: TEK-Related Multiple Cutaneous and Mucosal Venous Malformations (VMCM). Identifiers: Orphanet 2451, MedGen C1838437, MONDO:0010842, OMIM 600195.

Submission:

Clinical Genomics Laboratory, Washington University in St. Louis
Classification: Likely pathogenic for Multiple cutaneous and mucosal venous malformations. Last evaluated: 2025-05-02. Review status: criteria provided, single submitter. Criteria: ACMG Guidelines, 2015. Collection method: clinical testing. Allele origin: germline. Affected: yes.
Comment: A TEK c.3324_3334del (p.Glu1109Leufs*5) variant was identified at an allelic fraction consistent with somatic origin. This variant has been reported in two individuals with vascular lesions (Soblet J et al., PMID: 23801934; Kim YM et al., PMID: 36175890). This variant is absent from the general population (gnomAD v.4.1.0), indicating it is not a common variant. This variant resides within the C-terminal tail of TIE2, which is defined as a critical functional domain (Du Z et al., PMID: 28818232; Shewchuk LM et al., PMID: 11080633). Functional studies on truncating variants in exon 23 of TEK (carboxy terminus of Tie2) demonstrated ligand-independent hyperphosphorylation of the Tie2 receptor, which is predicted to disrupt an autoinhibitory mechanism involving the C terminal region of Tie2 thereby resulting in constitutive activation of the downstream AKT signaling pathway (N√§tynki M et al., PMID: 26319232; Soblet J et al., PMID: 23801934; Niu XL et al., PMID: 12082108). This variant causes a frameshift by deleting 11 nucleotides, leading to a premature termination codon; however, because this occurs in the last exon, this is not predicted to lead to nonsense mediated decay. Based on an internally developed protocol informed by the ACMG/AMP guidelines (Richards S et al., PMID: 25741868) and gene-specific practices from the ClinGen Criteria Specification Registry, the TEK c.3324_3334del (p.Glu1109Leufs*5) variant is classified as likely pathogenic.

NM_000459.5(TEK):c.3324_3334del (p.Glu1109fs)

Gene: TEK (TEK receptor tyrosine kinase; plus strand). Cytogenetic location: 9p21.2.
Variant type: Deletion.
Coding change: c.3324_3334del on transcript NM_000459.5 (MANE Select); coding-DNA positions 3324 to 3334, 11 bases deleted (TGAGAAGTTTA).
Protein change: p.Glu1109fs; shifts the reading frame from glutamic acid 1109.
Molecular consequence: frameshift variant.
Genome position (GRCh38, 1-based): chr9:27,229,181-27,229,191, TGAGAAGTTTA deleted; deleting any 11 consecutive bases within chr9:27,229,177-27,229,191 gives the same sequence; the c. name uses the placement nearest the transcript's 3' end. VCF-style (leftmost placement, unchanged base first): chr9-27229176-CTTTATGAGAAG-C. GRCh37 (hg19) VCF-style: chr9-27229174-CTTTATGAGAAG-C.
Other names: c.3195_3205del, p.Glu1066fs (NM_001290077.2); c.2880_2890del, p.Glu961fs (NM_001290078.2); c.3321_3331del, p.Glu1108fs (NM_001375475.1); c.3192_3202del, p.Glu1065fs (NM_001375476.1); short protein forms E1065fs, E1066fs, E1108fs, E1109fs, E961fs.
Identifiers: ClinVar variation 4279763 (VCV004279763.1).
Genomic context (GRCh38, chr9:27,229,176, plus strand): 5'-ATCAAAGCAGCCTATGTCTCTGAACCATTTTCATTCTTCCAGACCTACGTGAATACCACG[CTTTATGAGAAG>C]TTTACTTATGCAGGAATTGACTGTTCTGCTGAAGAAGCGGCCTAGGACAGAACATCTGTA-3'